The following is an entry in ClinVar:

ClinVar aggregate classification (germline): Uncertain significance (1 of 4 stars; one submission).

Submission:

Labcorp Genetics (formerly Invitae), Labcorp
Classification: Uncertain significance. Last evaluated: 2022-02-22. Review status: criteria provided, single submitter. Criteria: Invitae Variant Classification Sherloc (09022015). Collection method: clinical testing. Allele origin: germline.
Comment: This sequence change replaces tyrosine, which is neutral and polar, with cysteine, which is neutral and slightly polar, at codon 130 of the PCDH15 protein (p.Tyr130Cys). This variant is not present in population databases (gnomAD no frequency). This variant has not been reported in the literature in individuals affected with PCDH15-related conditions. Algorithms developed to predict the effect of missense changes on protein structure and function are either unavailable or do not agree on the potential impact of this missense change (SIFT: "Tolerated"; PolyPhen-2: "Possibly Damaging"; Align-GVGD: "Class C0"). In summary, the available evidence is currently insufficient to determine the role of this variant in disease. Therefore, it has been classified as a Variant of Uncertain Significance.

NM_001384140.1(PCDH15):c.389A>G (p.Tyr130Cys)

Gene: PCDH15 (protocadherin related 15; minus strand). Cytogenetic location: 10q21.1.
Variant type: single nucleotide variant.
Coding change: c.389A>G on transcript NM_001384140.1 (MANE Select); coding-DNA position 389, A replaced by G.
Protein change: p.Tyr130Cys; replaces tyrosine 130 with cysteine.
Molecular consequence: missense variant.
Genome position (GRCh38, 1-based): chr10:54,369,205, T>C on the plus strand (A>G on the coding strand, the complement: PCDH15 is on the minus strand). VCF-style: chr10-54369205-T-C. GRCh37 (hg19) VCF-style: chr10-56128965-T-C.
Other names: c.404A>G, p.Tyr135Cys (NM_001142763.2, NM_001142769.4, NM_001142771.2); c.389A>G, p.Tyr130Cys (NM_001142764.2, NM_001142765.2, NM_001142766.2 and 8 more transcripts); c.323A>G, p.Tyr108Cys (NM_001142768.2, NM_001142773.2, NM_001354404.2); short protein forms Y108C, Y130C, Y135C.
Identifiers: ClinVar variation 2102117 (VCV002102117.4), dbSNP rs2547833059, ClinGen allele CA376542246.